The following is an entry in ClinVar:

NM_177438.3(DICER1):c.3425C>T (p.Ser1142Phe)

Gene: DICER1 (dicer 1, ribonuclease III; minus strand). Cytogenetic location: 14q32.13.
Variant type: single nucleotide variant.
Coding change: c.3425C>T on transcript NM_177438.3 (MANE Select); coding-DNA position 3425, C replaced by T.
Protein change: p.Ser1142Phe; replaces serine 1142 with phenylalanine.
Molecular consequence: missense variant. On other transcripts: non-coding transcript variant (6).
Genome position (GRCh38, 1-based): chr14:95,103,971, G>A on the plus strand (C>T on the coding strand, the complement: DICER1 is on the minus strand). VCF-style: chr14-95103971-G-A. GRCh37 (hg19) VCF-style: chr14-95570308-G-A.
Other names: c.3425C>T, p.Ser1142Phe (NM_001195573.1, NM_001271282.3, NM_001291628.2 and 13 more transcripts); c.3143C>T, p.Ser1048Phe (NM_001395686.1); c.3020C>T, p.Ser1007Phe (NM_001395687.1, NM_001395688.1, NM_001395689.1 and 2 more transcripts); c.2858C>T, p.Ser953Phe (NM_001395691.1); c.1742C>T, p.Ser581Phe (NM_001395697.1); short protein forms S1007F, S1142F, S581F, S953F, S1048F.
Identifiers: ClinVar variation 2451715 (VCV002451715.4), dbSNP rs1212563071, ClinGen allele CA390875496.

ClinVar aggregate classification (germline): Uncertain significance. Review status: criteria provided, multiple submitters, no conflicts (2 of 4 stars). 2 submissions from 2 submitters: Uncertain significance (2). Last evaluated 2025-11-23.

Conditions:
Hereditary cancer-predisposing syndrome. Also called: Hereditary neoplastic syndrome; Tumor predisposition; Neoplastic Syndromes, Hereditary; Hereditary Cancer Syndrome. Identifiers: Orphanet 140162, MedGen C0027672, MeSH D009386, MONDO:0015356.
DICER1-related tumor predisposition. Also called: DICER1 syndrome; DICER1-related pleuropulmonary blastoma cancer predisposition syndrome. Identifiers: Orphanet 284343, MedGen C3839822, MONDO:0100216.

gnomAD v4.1: 4 of 1,614,208 alleles (0.00025%); highest among the groups gnomAD compares: Admixed American, 0.0017%; no homozygotes.

Submissions (2):

Labcorp Genetics (formerly Invitae), Labcorp
Classification: Uncertain significance for DICER1-related tumor predisposition. Last evaluated: 2025-11-23. Review status: criteria provided, single submitter. Criteria: Invitae Variant Classification Sherloc (09022015). Collection method: clinical testing. Allele origin: germline.
Comment: This sequence change replaces serine, which is neutral and polar, with phenylalanine, which is neutral and non-polar, at codon 1142 of the DICER1 protein (p.Ser1142Phe). This variant is present in population databases (no rsID available, gnomAD 0.003%). This variant has not been reported in the literature in individuals affected with DICER1-related conditions. ClinVar contains an entry for this variant (Variation ID: 2451715). Invitae Evidence Modeling of protein sequence and biophysical properties (such as structural, functional, and spatial information, amino acid conservation, physicochemical variation, residue mobility, and thermodynamic stability) indicates that this missense variant is not expected to disrupt DICER1 protein function with a negative predictive value of 95%. In summary, the available evidence is currently insufficient to determine the role of this variant in disease. Therefore, it has been classified as a Variant of Uncertain Significance.

Ambry Genetics
Classification: Uncertain significance for Hereditary cancer-predisposing syndrome. Last evaluated: 2023-01-22. Review status: criteria provided, single submitter. Criteria: Ambry Variant Classification Scheme 2023. Collection method: clinical testing. Allele origin: germline.
Comment: The p.S1142F variant (also known as c.3425C>T), located in coding exon 20 of the DICER1 gene, results from a C to T substitution at nucleotide position 3425. The serine at codon 1142 is replaced by phenylalanine, an amino acid with highly dissimilar properties. This amino acid position is conserved. In addition, the in silico prediction for this alteration is inconclusive. Since supporting evidence is limited at this time, the clinical significance of this alteration remains unclear.